The following is an entry in ClinVar:

ClinVar aggregate classification (germline): Uncertain significance (1 of 4 stars; one submission).

gnomAD v4.1: 96 of 1,520,234 alleles (0.0063%); highest among the groups gnomAD compares: South Asian, 0.11%; 2 homozygotes.

Submission:

Ambry Genetics
Classification: Uncertain significance. Last evaluated: 2024-12-21. Review status: criteria provided, single submitter. Criteria: Ambry Variant Classification Scheme 2023. Collection method: clinical testing. Allele origin: germline.
Comment: The p.M2158V variant (also known as c.6472A>G), located in coding exon 27 of the WNK2 gene, results from an A to G substitution at nucleotide position 6472. The methionine at codon 2158 is replaced by valine, an amino acid with highly similar properties. This amino acid position is conserved. In addition, the in silico prediction for this alteration is inconclusive. Based on the available evidence, the clinical significance of this variant remains unclear.

NM_006648.4(WNK2):c.6472A>G (p.Met2158Val)

Gene: WNK2 (WNK lysine deficient protein kinase 2; plus strand). Cytogenetic location: 9q22.31.
Variant type: single nucleotide variant.
Coding change: c.6472A>G on transcript NM_006648.4 (MANE Select); coding-DNA position 6472, A replaced by G.
Protein change: p.Met2158Val; replaces methionine 2158 with valine.
Molecular consequence: missense variant.
Genome position (GRCh38, 1-based): chr9:93,308,540, A>G. VCF-style: chr9-93308540-A-G. GRCh37 (hg19) VCF-style: chr9-96070822-A-G.
Other names: c.6583A>G, p.Met2195Val (NM_001282394.3); short protein forms M2195V, M2158V.
Identifiers: ClinVar variation 3816580 (VCV003816580.1).